The following is an entry in ClinVar:

ClinVar aggregate classification (germline): Pathogenic (1 of 4 stars; one submission).

Submission:

ISCA Site 6
Classification: Pathogenic. Last evaluated: 2011-08-12. Review status: criteria provided, single submitter. Criteria: Kaminsky et al. (Genet Med. 2011). Collection method: clinical testing. Allele origin: paternal. Affected: yes. Observed: 1 variant allele.
Comment: Copy number variation identified through the course of routine clinical cytogenomic testing in postnatal populations. Clinical assertions have been curated as described in Kaminsky et al. 2011.

GRCh38/hg38 16q23.3-24.1(chr16:83016872-85087809)x1

Genes: ADAD2 (adenosine deaminase domain containing 2; plus strand), ATP2C2 (ATPase secretory pathway Ca2+ transporting 2; plus strand), ATP2C2-AS1 (ATP2C2 antisense RNA 1; minus strand), CDH13 (cadherin 13; plus strand), CDH13-AS1 (CDH13 antisense RNA 1; minus strand) and 103 more. Cytogenetic location: 16q23.3-24.1.
Variant type: copy number loss.
Change: copy number 1 (one copy instead of two) of chr16:83,016,872-85,087,809 (2.07 Mb, GRCh38 coordinates, 1-based), cytogenetic band 16q23.3-24.1.
Identifiers: ClinVar variation 59519 (VCV000059519.2).